The following is an entry in ClinVar:

ClinVar aggregate classification (germline): Uncertain significance (1 of 4 stars; one submission).

Submission:

Labcorp Genetics (formerly Invitae), Labcorp
Classification: Uncertain significance. Last evaluated: 2024-04-18. Review status: criteria provided, single submitter. Criteria: Invitae Variant Classification Sherloc (09022015). Collection method: clinical testing. Allele origin: germline.
Comment: This sequence change affects codon 125 of the RNF113A mRNA. It is a 'silent' change, meaning that it does not change the encoded amino acid sequence of the RNF113A protein. This variant is not present in population databases (gnomAD no frequency). This variant has not been reported in the literature in individuals affected with RNF113A-related conditions. In summary, the available evidence is currently insufficient to determine the role of this variant in disease. Therefore, it has been classified as a Variant of Uncertain Significance.

NM_006978.3(RNF113A):c.375G>A (p.Glu125=)

Gene: RNF113A (ring finger protein 113A; minus strand). Cytogenetic location: Xq24.
Variant type: single nucleotide variant.
Coding change: c.375G>A on transcript NM_006978.3 (MANE Select); coding-DNA position 375, G replaced by A.
Protein change: p.Glu125=; no amino-acid change (glutamic acid 125 retained).
Molecular consequence: synonymous variant.
Genome position (GRCh38, 1-based): chrX:119,871,239, C>T on the plus strand (G>A on the coding strand, the complement: RNF113A is on the minus strand). VCF-style: chrX-119871239-C-T. GRCh37 (hg19) VCF-style: chrX-119005202-C-T.
Identifiers: ClinVar variation 3639963 (VCV003639963.2).